The following is an entry in ClinVar:

NM_007373.4(SHOC2):c.390A>G (p.Leu130=)

Gene: SHOC2 (SHOC2 leucine rich repeat scaffold protein; plus strand). Cytogenetic location: 10q25.2.
Variant type: single nucleotide variant.
Coding change: c.390A>G on transcript NM_007373.4 (MANE Select); coding-DNA position 390, A replaced by G.
Protein change: p.Leu130=; no amino-acid change (leucine 130 retained).
Molecular consequence: synonymous variant.
Genome position (GRCh38, 1-based): chr10:110,964,748, A>G. VCF-style: chr10-110964748-A-G. GRCh37 (hg19) VCF-style: chr10-112724506-A-G.
Other names: c.390A>G, p.Leu130= (NM_001269039.3, NM_001324336.2, NM_001324337.2).
Identifiers: ClinVar variation 509166 (VCV000509166.11), dbSNP rs143895483, ClinGen allele CA5689585.

ClinVar aggregate classification (germline): Likely benign. Review status: criteria provided, multiple submitters, no conflicts (2 of 4 stars). 5 submissions from 5 submitters: Likely benign (5). Last evaluated 2026-02-03.

Conditions:
SHOC2-related disorder. Also called: SHOC2-related condition.
Cardiovascular phenotype. Identifiers: MedGen CN230736.
RASopathy. Also called: Noonan spectrum disorder; rasopathies. Identifiers: Orphanet 536391, MedGen C5555857, MONDO:0021060.

Allele frequency attached by ClinVar (database versions not stated): ExAC 0.00001; gnomAD 0.00001; gnomAD exomes 0.00001 and 0.00002; TOPMed 0.00001; ESP Exome Variant Server 0.00008.
gnomAD v4.1: 19 of 1,614,010 alleles (0.0012%); highest among the groups gnomAD compares: Admixed American, 0.0083%; no homozygotes.

Submissions (5):

Labcorp Genetics (formerly Invitae), Labcorp
Classification: Likely benign for RASopathy. Last evaluated: 2026-02-03. Review status: criteria provided, single submitter. Criteria: Invitae Variant Classification Sherloc (09022015). Collection method: clinical testing. Allele origin: germline.

PreventionGenetics, part of Exact Sciences
Classification: Likely benign for SHOC2-related condition. Last evaluated: 2025-08-04. Review status: criteria provided, single submitter. Criteria: ACMG Guidelines, 2015. Collection method: clinical testing. Allele origin: germline.
Comment: This variant is classified as likely benign based on ACMG/AMP sequence variant interpretation guidelines (Richards et al. 2015 PMID: 25741868, with internal and published modifications).

Ambry Genetics
Classification: Likely benign for Cardiovascular phenotype. Last evaluated: 2023-07-20. Review status: criteria provided, single submitter. Criteria: Ambry Variant Classification Scheme 2023. Collection method: clinical testing. Allele origin: germline.

Blueprint Genetics
Classification: Likely benign. Last evaluated: 2023-04-14. Review status: criteria provided, single submitter. Criteria: ACMG Guidelines, 2015. Collection method: clinical testing. Allele origin: germline.

GeneDx
Classification: Likely benign. Last evaluated: 2022-09-21. Review status: criteria provided, single submitter. Criteria: GeneDx Variant Classification Process June 2021. Collection method: clinical testing. Allele origin: germline. Affected: yes.
Comment: See Variant Classification Assertion Criteria.